The following is an entry in ClinVar:

NM_032447.5(FBN3):c.4440C>T (p.Ser1480=)

Gene: FBN3 (fibrillin 3; minus strand). Cytogenetic location: 19p13.2.
Variant type: single nucleotide variant.
Coding change: c.4440C>T on transcript NM_032447.5 (MANE Select); coding-DNA position 4440, C replaced by T.
Protein change: p.Ser1480=; no amino-acid change (serine 1480 retained).
Molecular consequence: synonymous variant.
Genome position (GRCh38, 1-based): chr19:8,109,647, G>A on the plus strand (C>T on the coding strand, the complement: FBN3 is on the minus strand). VCF-style: chr19-8109647-G-A. GRCh37 (hg19) VCF-style: chr19-8174531-G-A.
Other names: c.4440C>T, p.Ser1480= (NM_001321431.2).
Identifiers: ClinVar variation 1552500 (VCV001552500.31), dbSNP rs373066640, ClinGen allele CA9152057.
Genomic context (GRCh38, chr19:8,109,647, plus strand): 5'-CTGCTGACCCCAGAACCCTGATCTGGAGTTGAGCATGGACTCACCCACGCAGCCCACTCC[G>A]CTGGGGTTCAGCTCAAAATCCTGGGGGCAGCTGCAGAGGTAGCTGCCGGGGGTGTTAATG-3'
Protein context (NP_115823.3, residues 1470-1490): SCPQDFELNP[Ser1480=]GVGCVDTRAG

ClinVar aggregate classification (germline): Benign/Likely benign. Review status: criteria provided, multiple submitters, no conflicts (2 of 4 stars). 2 submissions from 2 submitters: Benign (1); Likely benign (1). Last evaluated 2025-12-31.

Allele frequency attached by ClinVar (database versions not stated): 1000 Genomes Project 30x 0.00031; ESP Exome Variant Server 0.00031; 1000 Genomes Project 0.00040; gnomAD 0.00046 and 0.00047; TOPMed 0.00052.
gnomAD v4.1: 710 of 1,592,298 alleles (0.045%); highest among the groups gnomAD compares: Non-Finnish European, 0.047%; no homozygotes.

Submissions (2):

Labcorp Genetics (formerly Invitae), Labcorp
Classification: Benign. Last evaluated: 2025-12-31. Review status: criteria provided, single submitter. Criteria: Invitae Variant Classification Sherloc (09022015). Collection method: clinical testing. Allele origin: germline.

CeGaT Center for Human Genetics Tuebingen
Classification: Likely benign. Last evaluated: 2023-04-01. Review status: criteria provided, single submitter. Criteria: CeGaT Center For Human Genetics Tuebingen Variant Classification Criteria Version 2. Collection method: clinical testing. Allele origin: germline. Affected: yes. Observed: 2 variant alleles.
Comment: FBN3: BP4, BP7